The following is an entry in ClinVar:

ClinVar aggregate classification (germline): Likely benign (0 of 4 stars; one submission).

Conditions:
VPS4A-related disorder. Also called: VPS4A-related condition.

gnomAD v4.1: 2 of 1,613,348 alleles (0.00012%); no homozygotes.

Submission:

PreventionGenetics, part of Exact Sciences
Classification: Likely benign for VPS4A-related condition. Last evaluated: 2024-02-20. Review status: no assertion criteria provided. Collection method: clinical testing. Allele origin: germline.
Comment: This variant is classified as likely benign based on ACMG/AMP sequence variant interpretation guidelines (Richards et al. 2015 PMID: 25741868, with internal and published modifications).

NM_013245.3(VPS4A):c.354G>A (p.Val118=)

Gene: VPS4A (vacuolar protein sorting 4 homolog A; plus strand). Cytogenetic location: 16q22.1.
Variant type: single nucleotide variant.
Coding change: c.354G>A on transcript NM_013245.3 (MANE Select); coding-DNA position 354, G replaced by A.
Protein change: p.Val118=; no amino-acid change (valine 118 retained).
Molecular consequence: synonymous variant.
Genome position (GRCh38, 1-based): chr16:69,318,833, G>A. VCF-style: chr16-69318833-G-A. GRCh37 (hg19) VCF-style: chr16-69352736-G-A.
Identifiers: ClinVar variation 3043933 (VCV003043933.2), dbSNP rs751604556, ClinGen allele CA283332442.